The following is an entry in ClinVar:

NM_003482.4(KMT2D):c.10526A>G (p.Gln3509Arg)

Gene: KMT2D (lysine methyltransferase 2D; minus strand). Cytogenetic location: 12q13.12.
Variant type: single nucleotide variant.
Coding change: c.10526A>G on transcript NM_003482.4 (MANE Select); coding-DNA position 10526, A replaced by G.
Protein change: p.Gln3509Arg; replaces glutamine 3509 with arginine.
Molecular consequence: missense variant.
Genome position (GRCh38, 1-based): chr12:49,034,281, T>C on the plus strand (A>G on the coding strand, the complement: KMT2D is on the minus strand). VCF-style: chr12-49034281-T-C. GRCh37 (hg19) VCF-style: chr12-49428064-T-C.
Other names: short protein forms Q3509R.
Identifiers: ClinVar variation 2842975 (VCV002842975.3), dbSNP rs961513465, ClinGen allele CA384728519.

ClinVar aggregate classification (germline): Uncertain significance (1 of 4 stars; one submission).

Conditions:
Kabuki syndrome. Also called: NIIKAWA-KUROKI SYNDROME; Kabuki make-up syndrome. Identifiers: Orphanet 2322, MedGen C0796004, MONDO:0016512.

Submission:

Labcorp Genetics (formerly Invitae), Labcorp
Classification: Uncertain significance for Kabuki syndrome. Last evaluated: 2023-10-03. Review status: criteria provided, single submitter. Criteria: Invitae Variant Classification Sherloc (09022015). Collection method: clinical testing. Allele origin: germline.
Comment: This sequence change replaces glutamine, which is neutral and polar, with arginine, which is basic and polar, at codon 3509 of the KMT2D protein (p.Gln3509Arg). This variant is not present in population databases (gnomAD no frequency). This variant has not been reported in the literature in individuals affected with KMT2D-related conditions. Advanced modeling of protein sequence and biophysical properties (such as structural, functional, and spatial information, amino acid conservation, physicochemical variation, residue mobility, and thermodynamic stability) has been performed at Invitae for this missense variant, however the output from this modeling did not meet the statistical confidence thresholds required to predict the impact of this variant on KMT2D protein function. In summary, the available evidence is currently insufficient to determine the role of this variant in disease. Therefore, it has been classified as a Variant of Uncertain Significance.